The following is an entry in ClinVar:

NM_000059.4(BRCA2):c.1859T>A (p.Phe620Tyr)

Gene: BRCA2 (BRCA2 DNA repair associated; plus strand). Cytogenetic location: 13q13.1.
Variant type: single nucleotide variant.
Coding change: c.1859T>A on transcript NM_000059.4 (MANE Select); coding-DNA position 1859, T replaced by A.
Protein change: p.Phe620Tyr; replaces phenylalanine 620 with tyrosine.
Molecular consequence: missense variant. On other transcripts: non-coding transcript variant (1), intron variant (1).
Genome position (GRCh38, 1-based): chr13:32,333,337, T>A. VCF-style: chr13-32333337-T-A. GRCh37 (hg19) VCF-style: chr13-32907474-T-A.
Other names: c.1859T>A, p.Phe620Tyr (NM_001406719.1, NM_001406720.1, NM_001406721.1 and 1 more transcripts); c.424+2307T>A (NM_001406722.1); short protein forms F620Y.
Identifiers: ClinVar variation 3825426 (VCV003825426.1).
Genomic context (GRCh38, chr13:32,333,337, plus strand): 5'-ATAAAGGAAAAAAAATACCGAAAGACCAAAAATCAGAACTAATTAACTGTTCAGCCCAGT[T>A]TGAAGCAAATGCTTTTGAAGCACCACTTACATTTGCAAATGCTGATTCAGGTACCTCTGT-3'
Protein context (NP_000050.3, residues 610-630): KSELINCSAQ[Phe620Tyr]EANAFEAPLT

ClinVar aggregate classification (germline): Uncertain significance (1 of 4 stars; one submission).

Conditions:
Hereditary cancer-predisposing syndrome. Also called: Hereditary neoplastic syndrome; Neoplastic Syndromes, Hereditary; Tumor predisposition; Hereditary Cancer Syndrome. Identifiers: Orphanet 140162, MedGen C0027672, MeSH D009386, MONDO:0015356.

Submission:

Ambry Genetics
Classification: Uncertain significance for Hereditary cancer-predisposing syndrome. Last evaluated: 2025-01-09. Review status: criteria provided, single submitter. Criteria: Ambry Variant Classification Scheme 2023. Collection method: clinical testing. Allele origin: germline.
Comment: The p.F620Y variant (also known as c.1859T>A), located in coding exon 9 of the BRCA2 gene, results from a T to A substitution at nucleotide position 1859. The phenylalanine at codon 620 is replaced by tyrosine, an amino acid with highly similar properties. This amino acid position is conserved. In addition, this alteration is predicted to be tolerated by in silico analysis. Based on the available evidence, the clinical significance of this variant remains unclear.